The following is an entry in ClinVar:

ClinVar aggregate classification (germline): Uncertain significance (1 of 4 stars; one submission).

Conditions:
Common variable immunodeficiency (CVID). Also called: Common variable hypogamma-globulinemia; Common variable agammaglobulinemia. Identifiers: Orphanet 1572, MedGen C0009447, MONDO:0015517.

Submission:

Labcorp Genetics (formerly Invitae), Labcorp
Classification: Uncertain significance for Common variable immunodeficiency. Last evaluated: 2025-04-09. Review status: criteria provided, single submitter. Criteria: Invitae Variant Classification Sherloc (09022015). Collection method: clinical testing. Allele origin: germline.
Comment: This sequence change replaces leucine, which is neutral and non-polar, with valine, which is neutral and non-polar, at codon 182 of the TNFSF12 protein (p.Leu182Val). This variant is not present in population databases (gnomAD no frequency). This variant has not been reported in the literature in individuals affected with TNFSF12-related conditions. An algorithm developed to predict the effect of missense changes on protein structure and function (PolyPhen-2) suggests that this variant is likely to be disruptive. In summary, the available evidence is currently insufficient to determine the role of this variant in disease. Therefore, it has been classified as a Variant of Uncertain Significance.

NM_003809.3(TNFSF12):c.544C>G (p.Leu182Val)

Genes: TNFSF12 (TNF superfamily member 12; plus strand), TNFSF12-TNFSF13 (TNFSF12-TNFSF13 readthrough; plus strand). Cytogenetic location: 17p13.1.
Variant type: single nucleotide variant.
Coding change: c.544C>G on transcript NM_003809.3 (MANE Select); coding-DNA position 544, C replaced by G.
Protein change: p.Leu182Val; replaces leucine 182 with valine.
Molecular consequence: missense variant. On other transcripts: non-coding transcript variant (1), intron variant (1).
Genome position (GRCh38, 1-based): chr17:7,557,144, C>G. VCF-style: chr17-7557144-C-G. GRCh37 (hg19) VCF-style: chr17-7460461-C-G.
Other names: c.498+242C>G (NM_172089.4); short protein forms L182V.
Identifiers: ClinVar variation 4716974 (VCV004716974.1).
Genomic context (GRCh38, chr17:7,557,144, plus strand): 5'-TTGTCCCCACCCCAGGTGCACTTTGATGAGGGGAAGGCTGTCTACCTGAAGCTGGACTTG[C>G]TGGTGGATGGTGTGCTGGCCCTGCGCTGCCTGGAGGAATTCTCAGCCACTGCGGCGAGTT-3'
Protein context (NP_003800.1, residues 172-192): GKAVYLKLDL[Leu182Val]VDGVLALRCL